The following is an entry in ClinVar:

ClinVar aggregate classification (germline): Uncertain significance. Review status: criteria provided, multiple submitters, no conflicts (2 of 4 stars). 2 submissions from 2 submitters: Uncertain significance (2). Last evaluated 2025-09-09.

gnomAD v4.1: 39 of 1,614,004 alleles (0.0024%); highest among the groups gnomAD compares: Admixed American, 0.015%; no homozygotes.

Submissions (2):

Labcorp Genetics (formerly Invitae), Labcorp
Classification: Uncertain significance. Last evaluated: 2025-09-09. Review status: criteria provided, single submitter. Criteria: Invitae Variant Classification Sherloc (09022015). Collection method: clinical testing. Allele origin: germline.
Comment: This sequence change replaces threonine, which is neutral and polar, with methionine, which is neutral and non-polar, at codon 1106 of the FAT2 protein (p.Thr1106Met). The frequency data for this variant in the population databases is considered unreliable, as metrics indicate poor data quality at this position in the gnomAD database. This variant has not been reported in the literature in individuals affected with FAT2-related conditions. ClinVar contains an entry for this variant (Variation ID: 3513243). Invitae Evidence Modeling of protein sequence and biophysical properties (such as structural, functional, and spatial information, amino acid conservation, physicochemical variation, residue mobility, and thermodynamic stability) indicates that this missense variant is not expected to disrupt FAT2 protein function with a negative predictive value of 80%. In summary, the available evidence is currently insufficient to determine the role of this variant in disease. Therefore, it has been classified as a Variant of Uncertain Significance.

Ambry Genetics
Classification: Uncertain significance. Last evaluated: 2024-09-03. Review status: criteria provided, single submitter. Criteria: Ambry Variant Classification Scheme 2023. Collection method: clinical testing. Allele origin: germline.

NM_001447.3(FAT2):c.3317C>T (p.Thr1106Met)

Gene: FAT2 (FAT atypical cadherin 2; minus strand). Cytogenetic location: 5q33.1.
Variant type: single nucleotide variant.
Coding change: c.3317C>T on transcript NM_001447.3 (MANE Select); coding-DNA position 3317, C replaced by T.
Protein change: p.Thr1106Met; replaces threonine 1106 with methionine.
Molecular consequence: missense variant.
Genome position (GRCh38, 1-based): chr5:151,563,582, G>A on the plus strand (C>T on the coding strand, the complement: FAT2 is on the minus strand). VCF-style: chr5-151563582-G-A. GRCh37 (hg19) VCF-style: chr5-150943143-G-A.
Other names: short protein forms T1106M.
Identifiers: ClinVar variation 3513243 (VCV003513243.2).